The following is an entry in ClinVar:

ClinVar aggregate classification (germline): Benign/Likely benign. Review status: criteria provided, multiple submitters, no conflicts (2 of 4 stars). 5 submissions from 5 submitters: Benign (1); Likely benign (4). Last evaluated 2026-01-02.

Conditions:
Hereditary cancer-predisposing syndrome. Also called: Tumor predisposition; Hereditary neoplastic syndrome; Hereditary Cancer Syndrome; Neoplastic Syndromes, Hereditary. Identifiers: Orphanet 140162, MedGen C0027672, MeSH D009386, MONDO:0015356.
FLCN-related disorder. Also called: FLCN-related condition.
Birt-Hogg-Dube syndrome 1 (BHD1). Also called: FIBROFOLLICULOMAS WITH TRICHODISCOMAS AND ACROCHORDONS. Identifiers: Orphanet 122, MedGen CN375946, MONDO:0800445, OMIM 135150.
Birt-Hogg-Dube syndrome. Also called: Birt Hogg Dubé syndrome. Identifiers: Orphanet 122, MedGen C0346010, MONDO:0800444.

Allele frequency attached by ClinVar (database versions not stated): gnomAD exomes below 0.00001 and 0.00001; gnomAD 0.00001; TOPMed 0.00002.
gnomAD v4.1: 19 of 1,614,076 alleles (0.0012%); highest among the groups gnomAD compares: Admixed American, 0.0017%; no homozygotes.

Submissions (5):

Labcorp Genetics (formerly Invitae), Labcorp
Classification: Likely benign for Birt-Hogg-Dube syndrome. Last evaluated: 2026-01-02. Review status: criteria provided, single submitter. Criteria: Invitae Variant Classification Sherloc (09022015). Collection method: clinical testing. Allele origin: germline.

PreventionGenetics, part of Exact Sciences
Classification: Likely benign for FLCN-related condition. Last evaluated: 2024-12-09. Review status: criteria provided, single submitter. Criteria: ACMG Guidelines, 2015. Collection method: clinical testing. Allele origin: germline.
Comment: This variant is classified as likely benign based on ACMG/AMP sequence variant interpretation guidelines (Richards et al. 2015 PMID: 25741868, with internal and published modifications).

Myriad Genetics, Inc.
Classification: Benign for Birt-Hogg-Dube syndrome 1. Last evaluated: 2024-10-28. Review status: criteria provided, single submitter. Criteria: Myriad Autosomal Dominant, Autosomal Recessive and X-Linked Classification Criteria (2023). Collection method: clinical testing. Allele origin: unknown.
Comment: This variant is considered benign. This variant is a silent/synonymous amino acid change and it is not expected to impact splicing.

GeneDx
Classification: Likely benign. Last evaluated: 2019-03-11. Review status: criteria provided, single submitter. Criteria: GeneDx Variant Classification Process June 2021. Collection method: clinical testing. Allele origin: germline. Affected: yes.

Ambry Genetics
Classification: Likely benign for Hereditary cancer-predisposing syndrome. Last evaluated: 2018-02-26. Review status: criteria provided, single submitter. Criteria: Ambry Variant Classification Scheme 2023. Collection method: clinical testing. Allele origin: germline.

NM_144997.7(FLCN):c.1626C>T (p.Ser542=)

Gene: FLCN (folliculin; minus strand). Cytogenetic location: 17p11.2.
Variant type: single nucleotide variant.
Coding change: c.1626C>T on transcript NM_144997.7 (MANE Select); coding-DNA position 1626, C replaced by T.
Protein change: p.Ser542=; no amino-acid change (serine 542 retained).
Molecular consequence: synonymous variant.
Genome position (GRCh38, 1-based): chr17:17,213,769, G>A on the plus strand (C>T on the coding strand, the complement: FLCN is on the minus strand). VCF-style: chr17-17213769-G-A. GRCh37 (hg19) VCF-style: chr17-17117083-G-A.
Other names: c.1680C>T, p.Ser560= (NM_001353229.2); c.1626C>T, p.Ser542= (NM_001353230.2, NM_001353231.2).
Identifiers: ClinVar variation 697386 (VCV000697386.18), dbSNP rs1433647771, ClinGen allele CA498163099.
Genomic context (GRCh38, chr17:17,213,769, plus strand): 5'-CTTGTAGGTCTTGCTCAGGCCAGTCATCCAGAACTTCAGCAGCTTGACATTGTCCTCCTC[G>A]GACGCACCCAGGATGCTCAGCAGCTTCTGTGTGTCCTCTTTGGGTCGACTGTCCACCTTG-3'
Protein context (NP_659434.2, residues 532-552): TQKLLSILGA[Ser542=]EEDNVKLLKF